The following is an entry in ClinVar:

NM_000030.3(AGXT):c.106C>T (p.Arg36Cys)

Gene: AGXT (alanine--glyoxylate aminotransferase; plus strand). Cytogenetic location: 2q37.3.
Variant type: single nucleotide variant.
Coding change: c.106C>T on transcript NM_000030.3 (MANE Select); coding-DNA position 106, C replaced by T.
Protein change: p.Arg36Cys; replaces arginine 36 with cysteine.
Molecular consequence: missense variant.
Genome position (GRCh38, 1-based): chr2:240,868,971, C>T. VCF-style: chr2-240868971-C-T. GRCh37 (hg19) VCF-style: chr2-241808388-C-T.
Other names: short protein forms R36C.
Identifiers: ClinVar variation 188957 (VCV000188957.17), dbSNP rs180177157, ClinGen allele CA274183.

ClinVar aggregate classification (germline): Pathogenic/Likely pathogenic. Review status: criteria provided, multiple submitters, no conflicts (2 of 4 stars). 7 submissions from 7 submitters: Pathogenic (4); Likely pathogenic (1). 2 of the submissions do not count toward it. Last evaluated 2026-04-09.

Conditions:
Primary hyperoxaluria, type I (HP1). Also called: GLYCOLIC ACIDURIA; HEPATIC AGT DEFICIENCY; OXALOSIS I; Primary hyperoxaluria type 1. Identifiers: Orphanet 416, Orphanet 93598, MedGen C0268164, MONDO:0009823, OMIM 259900. Disease mechanism: loss of function.

Allele frequency attached by ClinVar (database versions not stated): TOPMed 0.00003; gnomAD exomes below 0.00001; gnomAD 0.00002; ExAC 0.00002.

Submissions (7):

Institute of Human Genetics, University of Leipzig Medical Center
Classification: Pathogenic for Primary hyperoxaluria, type I. Last evaluated: 2026-04-09. Review status: criteria provided, single submitter. Criteria: ACMG Guidelines, 2015. Collection method: clinical testing. Allele origin: unknown. Inheritance: Autosomal recessive inheritance. Affected: yes.
Comment: Criteria applied: PM3_STR,PS3_MOD,PM2,PM5_STR,PP3

Natera, Inc.
Classification: Pathogenic for Primary hyperoxaluria type I. Last evaluated: 2025-01-27. Review status: criteria provided, single submitter. Criteria: Natera Variant Classification Schema (03/2026). Collection method: clinical testing. Allele origin: germline.
Comment: The c.106C>T variant in AGXT is a missense variant predicted to cause substitution of arginine to cysteine at amino acid 36. This variant is rare in the general population with a frequency below the threshold expected for the associated phenotype(s). This variant has been observed in one or more individuals affected with the associated recessive disease, as either homozygous or compound heterozygous with a second variant (PMID: 24988064, 31078535, 29959618). Functional studies show that this variant may disrupt protein function (PMID: 24988064, 17495019, 24718375, 22923379). A different variant at the same position has been determined to be Pathogenic or Likely Pathogenic. Computational prediction algorithms indicate this variant is likely to affect gene or protein function. Given the available evidence, this variant is classified as Pathogenic.

Labcorp Genetics (formerly Invitae), Labcorp
Classification: Pathogenic. Last evaluated: 2024-01-13. Review status: criteria provided, single submitter. Criteria: Invitae Variant Classification Sherloc (09022015). Collection method: clinical testing. Allele origin: germline.
Comment: This sequence change replaces arginine, which is basic and polar, with cysteine, which is neutral and slightly polar, at codon 36 of the AGXT protein (p.Arg36Cys). This variant is present in population databases (rs180177157, gnomAD 0.006%). This missense change has been observed in individuals with primary hyperoxaluria (PMID: 15356974, 24988064). ClinVar contains an entry for this variant (Variation ID: 188957). Advanced modeling of protein sequence and biophysical properties (such as structural, functional, and spatial information, amino acid conservation, physicochemical variation, residue mobility, and thermodynamic stability) performed at Invitae indicates that this missense variant is expected to disrupt AGXT protein function with a positive predictive value of 80%. Experimental studies have shown that this missense change affects AGXT function (PMID: 17495019, 22923379, 24718375). For these reasons, this variant has been classified as Pathogenic.

Fulgent Genetics
Classification: Pathogenic for Primary hyperoxaluria, type I. Last evaluated: 2022-02-15. Review status: criteria provided, single submitter. Criteria: ACMG Guidelines, 2015. Collection method: clinical testing. Allele origin: unknown.

Juno Genomics, Hangzhou Juno Genomics, Inc
Classification: Likely pathogenic for Primary hyperoxaluria, type I. Review status: criteria provided, single submitter. Criteria: ACMG Guidelines, 2015. Collection method: clinical testing. Allele origin: germline.
Comment: Absent from controls (or at extremely low frequency if recessive) in Genome Aggregation Database.;For recessive disorders, detected in trans with a pathogenic variant.;Multiple lines of computational evidence support a deleterious effect on the gene or gene product.

Clinical Biochemistry Laboratory, Health Services Laboratory
Classification: Pathogenic for Primary hyperoxaluria, type I. Last evaluated: 2014-11-27. Review status: no assertion criteria provided. Collection method: in vitro. Allele origin: germline. Affected: yes. Not counted in ClinVar's aggregate classification.

Counsyl
Classification: Likely pathogenic for Primary hyperoxaluria, type I. Last evaluated: 2014-09-05. Review status: no assertion criteria provided. Collection method: literature only. Allele origin: unknown. Inheritance: Autosomal recessive inheritance. Not counted in ClinVar's aggregate classification.

Literature cited by the submitters: PubMed 24988064 (cited by 3 submitters); PubMed 31078535 (cited by Natera, Inc.); PubMed 29959618 (cited by Natera, Inc.); PubMed 17495019 (cited by 4 submitters); PubMed 24718375 (cited by 3 submitters); PubMed 22923379 (cited by 3 submitters); PubMed 15356974 (cited by 3 submitters).